The following is an entry in ClinVar:

NM_006208.3(ENPP1):c.1792C>G (p.Pro598Ala)

Gene: ENPP1 (ectonucleotide pyrophosphatase/phosphodiesterase 1; plus strand). Cytogenetic location: 6q23.2.
Variant type: single nucleotide variant.
Coding change: c.1792C>G on transcript NM_006208.3 (MANE Select); coding-DNA position 1792, C replaced by G.
Protein change: p.Pro598Ala; replaces proline 598 with alanine.
Molecular consequence: missense variant.
Genome position (GRCh38, 1-based): chr6:131,877,060, C>G. VCF-style: chr6-131877060-C-G. GRCh37 (hg19) VCF-style: chr6-132198200-C-G.
Other names: short protein forms P598A.
Identifiers: ClinVar variation 2167357 (VCV002167357.4), dbSNP rs777093714, ClinGen allele CA4002327.

ClinVar aggregate classification (germline): Uncertain significance (1 of 4 stars; one submission).

Allele frequency attached by ClinVar (database versions not stated): ExAC 0.00001; gnomAD exomes 0.00001; TOPMed 0.00002.
gnomAD v4.1: 8 of 1,614,046 alleles (0.0005%); highest among the groups gnomAD compares: Admixed American, 0.005%; no homozygotes.

Submission:

Labcorp Genetics (formerly Invitae), Labcorp
Classification: Uncertain significance. Last evaluated: 2025-06-09. Review status: criteria provided, single submitter. Criteria: Invitae Variant Classification Sherloc (09022015). Collection method: clinical testing. Allele origin: germline.
Comment: This sequence change replaces proline, which is neutral and non-polar, with alanine, which is neutral and non-polar, at codon 598 of the ENPP1 protein (p.Pro598Ala). This variant is present in population databases (rs777093714, gnomAD 0.009%). This variant has not been reported in the literature in individuals affected with ENPP1-related conditions. ClinVar contains an entry for this variant (Variation ID: 2167357). Invitae Evidence Modeling of protein sequence and biophysical properties (such as structural, functional, and spatial information, amino acid conservation, physicochemical variation, residue mobility, and thermodynamic stability) indicates that this missense variant is not expected to disrupt ENPP1 protein function with a negative predictive value of 80%. In summary, the available evidence is currently insufficient to determine the role of this variant in disease. Therefore, it has been classified as a Variant of Uncertain Significance.